The following is an entry in ClinVar:

ClinVar aggregate classification (germline): Uncertain significance (1 of 4 stars; one submission).

Allele frequency attached by ClinVar (database versions not stated): TOPMed below 0.00001.

Submission:

CeGaT Center for Human Genetics Tuebingen
Classification: Uncertain significance. Last evaluated: 2022-12-01. Review status: criteria provided, single submitter. Criteria: CeGaT Center For Human Genetics Tuebingen Variant Classification Criteria Version 2. Collection method: clinical testing. Allele origin: germline. Affected: yes. Observed: 1 variant allele.
Comment: ATAD3A: PM2, BP4

NM_001170535.3(ATAD3A):c.738A>C (p.Lys246Asn)

Gene: ATAD3A (ATPase family AAA domain containing 3A; plus strand). Cytogenetic location: 1p36.33.
Variant type: single nucleotide variant.
Coding change: c.738A>C on transcript NM_001170535.3 (MANE Select); coding-DNA position 738, A replaced by C.
Protein change: p.Lys246Asn; replaces lysine 246 with asparagine.
Molecular consequence: missense variant.
Genome position (GRCh38, 1-based): chr1:1,520,605, A>C. VCF-style: chr1-1520605-A-C. GRCh37 (hg19) VCF-style: chr1-1455985-A-C.
Other names: c.501A>C, p.Lys167Asn (NM_001170536.3); c.882A>C, p.Lys294Asn (NM_018188.5); short protein forms K167N, K246N, K294N.
Identifiers: ClinVar variation 2638027 (VCV002638027.24), dbSNP rs1372538314, ClinGen allele CA337854603.